The following is an entry in ClinVar:

ClinVar aggregate classification (germline): Likely pathogenic (1 of 4 stars; one submission).

Conditions:
Hereditary spastic paraplegia 64. Also called: ENTPD1-Related Neurodevelopmental Disorder; Spastic paraplegia 64, autosomal recessive. Identifiers: Orphanet 401810, MedGen C3810289, MONDO:0014303, OMIM 615683.

Submission:

Igenomix - Part of Vitrolife Group, Igenomix
Classification: Likely pathogenic for Hereditary spastic paraplegia 64. Review status: criteria provided, single submitter. Criteria: ACMG Guidelines, 2015. Collection method: clinical testing. Allele origin: germline. Inheritance: Autosomal recessive inheritance. Affected: no.
Comment: The ENTPD1 variant (p.Glu153Argfs*46) is predicted to result in frameshift and premature truncation of the protein 45 amino acids downstream to codon 153 in the new coding frame (PVS1). This variant is absent in the gnomAD v4.1.0 (PM2). Truncations downstream of this position have been classified as pathogenic. To our knowledge, no experimental evidence demonstrating an impact on protein function has been reported. Based on the evidence outlined above, the variant was classified as likely pathogenic. This variant was detected in the heterozygous state through carrier screening.

NM_001776.6(ENTPD1):c.457del (p.Glu153fs)

Genes: ENTPD1 (ectonucleoside triphosphate diphosphohydrolase 1; plus strand), ENTPD1-AS1 (ENTPD1 antisense RNA 1; minus strand). Cytogenetic location: 10q24.1.
Variant type: Deletion.
Coding change: c.457del on transcript NM_001776.6 (MANE Select); coding-DNA position 457, one base deleted (G; older notation c.457delG).
Protein change: p.Glu153fs; shifts the reading frame from glutamic acid 153.
Molecular consequence: frameshift variant.
Genome position (GRCh38, 1-based): chr10:95,844,519, G deleted; the last of 2 consecutive G bases (chr10:95,844,518-95,844,519); deleting either gives the same sequence. VCF-style (leftmost placement, unchanged base first): chr10-95844517-TG-T. GRCh37 (hg19) VCF-style: chr10-97604274-TG-T.
Other names: c.478del, p.Glu160fs (NM_001098175.2); c.493del, p.Glu165fs (NM_001164178.1, NM_001320916.1); c.457del, p.Glu153fs (NM_001164179.2); c.133del, p.Glu45fs (NM_001164181.1, NM_001312654.1); c.43del, p.Glu15fs (NM_001164182.2, NM_001164183.2); short protein forms E153fs, E15fs, E160fs, E165fs, E45fs.
Identifiers: ClinVar variation 3336673 (VCV003336673.1).